The following is an entry in ClinVar:

ClinVar aggregate classification (germline): Uncertain significance. Review status: criteria provided, multiple submitters, no conflicts (2 of 4 stars). 3 submissions from 3 submitters: Uncertain significance (3). Last evaluated 2024-08-01.

Conditions:
WNK1-related disorder. Also called: WNK1-related condition.
Neuropathy, hereditary sensory and autonomic, type 2A (HSAN2A). Also called: ACROOSTEOLYSIS, GIACCAI TYPE; ACROOSTEOLYSIS, NEUROGENIC; HSAN IIA; MORVAN DISEASE; NEUROPATHY, CONGENITAL SENSORY; NEUROPATHY, HEREDITARY SENSORY RADICULAR, AUTOSOMAL RECESSIVE. Identifiers: Orphanet 970, MedGen C2752089, MONDO:0024309, OMIM 201300.
Pseudohypoaldosteronism type 2C (PHA2C). Also called: Pseudohypoaldosteronism Type IIC. Identifiers: Orphanet 757, Orphanet 88940, MedGen C1840391, MONDO:0013778, OMIM 614492.

Allele frequency attached by ClinVar (database versions not stated): gnomAD exomes below 0.00001; gnomAD 0.00001.
gnomAD v4.1: 6 of 1,612,482 alleles (0.00037%); highest among the groups gnomAD compares: Middle Eastern, 0.016%; no homozygotes.

Submissions (3):

Labcorp Genetics (formerly Invitae), Labcorp
Classification: Uncertain significance for Neuropathy, hereditary sensory and autonomic, type 2A; Pseudohypoaldosteronism type 2C. Last evaluated: 2024-08-01. Review status: criteria provided, single submitter. Criteria: Invitae Variant Classification Sherloc (09022015). Collection method: clinical testing. Allele origin: germline.
Comment: This sequence change replaces leucine, which is neutral and non-polar, with phenylalanine, which is neutral and non-polar, at codon 98 of the WNK1 protein (p.Leu98Phe). This variant is present in population databases (no rsID available, gnomAD 0.007%). This variant has not been reported in the literature in individuals affected with WNK1-related conditions. ClinVar contains an entry for this variant (Variation ID: 2636795). Advanced modeling of protein sequence and biophysical properties (such as structural, functional, and spatial information, amino acid conservation, physicochemical variation, residue mobility, and thermodynamic stability) performed at Invitae indicates that this missense variant is not expected to disrupt WNK1 protein function with a negative predictive value of 95%. In summary, the available evidence is currently insufficient to determine the role of this variant in disease. Therefore, it has been classified as a Variant of Uncertain Significance.

Blueprint Genetics
Classification: Uncertain significance. Last evaluated: 2024-02-09. Review status: criteria provided, single submitter. Criteria: ACMG Guidelines, 2015. Collection method: clinical testing. Allele origin: germline.

PreventionGenetics, part of Exact Sciences
Classification: Uncertain significance for WNK1-related condition. Last evaluated: 2023-05-10. Review status: criteria provided, single submitter. Criteria: ACMG Guidelines, 2015. Collection method: clinical testing. Allele origin: germline.
Comment: The WNK1 c.292C>T variant is predicted to result in the amino acid substitution p.Leu98Phe. To our knowledge, this variant has not been reported in the literature. This variant is reported in 0.0065% of alleles in individuals of European (Non-Finnish) descent in gnomAD. At this time, the clinical significance of this variant is uncertain due to the absence of conclusive functional and genetic evidence.

NM_018979.4(WNK1):c.292C>T (p.Leu98Phe)

Gene: WNK1 (WNK lysine deficient protein kinase 1; plus strand). Cytogenetic location: 12p13.33.
Variant type: single nucleotide variant.
Coding change: c.292C>T on transcript NM_018979.4 (MANE Select); coding-DNA position 292, C replaced by T.
Protein change: p.Leu98Phe; replaces leucine 98 with phenylalanine.
Molecular consequence: missense variant.
Genome position (GRCh38, 1-based): chr12:753,857, C>T. VCF-style: chr12-753857-C-T. GRCh37 (hg19) VCF-style: chr12-863023-C-T.
Other names: c.292C>T, p.Leu98Phe (NM_001184985.2, NM_014823.3, NM_213655.5); short protein forms L98F.
Identifiers: ClinVar variation 2636795 (VCV002636795.4), dbSNP rs1013923540, ClinGen allele CA231463856.
Genomic context (GRCh38, chr12:753,857, plus strand): 5'-CGCTTCTTCCGCCGGAGCGTCATCTGTGACTCCAATGCCACTGCACTGGAGCTTCCCGGC[C>T]TTCCTCTTTCCCTGCCCCAGCCCAGCATCCCCGCGGCTGTCCCGCAGAGTGCTCCACCGG-3'
Protein context (NP_061852.3, residues 88-108): SNATALELPG[Leu98Phe]PLSLPQPSIP